The following is an entry in ClinVar:

NM_198578.4(LRRK2):c.4821G>A (p.Met1607Ile)

Gene: LRRK2 (leucine rich repeat kinase 2; plus strand). Cytogenetic location: 12q12.
Variant type: single nucleotide variant.
Coding change: c.4821G>A on transcript NM_198578.4 (MANE Select); coding-DNA position 4821, G replaced by A.
Protein change: p.Met1607Ile; replaces methionine 1607 with isoleucine.
Molecular consequence: missense variant.
Genome position (GRCh38, 1-based): chr12:40,315,294, G>A. VCF-style: chr12-40315294-G-A. GRCh37 (hg19) VCF-style: chr12-40709096-G-A.
Other names: short protein forms M1607I.
Identifiers: ClinVar variation 1502737 (VCV001502737.9), dbSNP rs1565744159, ClinGen allele CA384419362.

ClinVar aggregate classification (germline): Uncertain significance. Review status: criteria provided, multiple submitters, no conflicts (2 of 4 stars). 2 submissions from 2 submitters: Uncertain significance (2). Last evaluated 2024-04-13.

Conditions:
Autosomal dominant Parkinson disease 8. Also called: LRRK2-Related Parkinson Disease; Parkinson disease 8; Parkinson disease 8, susceptibility to. Identifiers: Orphanet 411602, MedGen C1846862, MONDO:0011764, OMIM 607060.
Inborn genetic diseases. Identifiers: MedGen C0950123, MeSH D030342.

Allele frequency attached by ClinVar (database versions not stated): gnomAD exomes below 0.00001.

Submissions (2):

Ambry Genetics
Classification: Uncertain significance for Inborn genetic diseases. Last evaluated: 2024-04-13. Review status: criteria provided, single submitter. Criteria: Ambry Variant Classification Scheme 2023. Collection method: clinical testing. Allele origin: germline.
Comment: The p.M1607I variant (also known as c.4821G>A), located in coding exon 33 of the LRRK2 gene, results from a G to A substitution at nucleotide position 4821. The methionine at codon 1607 is replaced by isoleucine, an amino acid with highly similar properties. This amino acid position is conserved. In addition, this alteration is predicted to be tolerated by in silico analysis. Since supporting evidence is limited at this time, the clinical significance of this alteration remains unclear.

Labcorp Genetics (formerly Invitae), Labcorp
Classification: Uncertain significance for Autosomal dominant Parkinson disease 8. Last evaluated: 2021-10-14. Review status: criteria provided, single submitter. Criteria: Invitae Variant Classification Sherloc (09022015). Collection method: clinical testing. Allele origin: germline.
Comment: Algorithms developed to predict the effect of missense changes on protein structure and function (SIFT, PolyPhen-2, Align-GVGD) all suggest that this variant is likely to be tolerated. In summary, the available evidence is currently insufficient to determine the role of this variant in disease. Therefore, it has been classified as a Variant of Uncertain Significance. Algorithms developed to predict the effect of sequence changes on RNA splicing suggest that this variant may create or strengthen a splice site. This variant has not been reported in the literature in individuals affected with LRRK2-related conditions. This variant is not present in population databases (ExAC no frequency). This sequence change replaces methionine with isoleucine at codon 1607 of the LRRK2 protein (p.Met1607Ile). The methionine residue is weakly conserved and there is a small physicochemical difference between methionine and isoleucine.